The following is an entry in ClinVar:

ClinVar aggregate classification (germline): Uncertain significance (1 of 4 stars; one submission).

Allele frequency attached by ClinVar (database versions not stated): TOPMed 0.00001; gnomAD exomes 0.00003.
gnomAD v4.1: 17 of 1,614,158 alleles (0.0011%); highest among the groups gnomAD compares: East Asian, 0.031%; no homozygotes.

Submission:

Ambry Genetics
Classification: Uncertain significance. Last evaluated: 2025-10-27. Review status: criteria provided, single submitter. Criteria: Ambry Variant Classification Scheme 2023. Collection method: clinical testing. Allele origin: germline.
Comment: The p.A345T variant (also known as c.1033G>A), located in coding exon 6 of the PKP4 gene, results from a G to A substitution at nucleotide position 1033. The alanine at codon 345 is replaced by threonine, an amino acid with similar properties. This amino acid position is conserved. In addition, the in silico prediction for this alteration is inconclusive. Based on the available evidence, the clinical significance of this variant remains unclear.

NM_003628.6(PKP4):c.1033G>A (p.Ala345Thr)

Gene: PKP4 (plakophilin 4; plus strand). Cytogenetic location: 2q24.1.
Variant type: single nucleotide variant.
Coding change: c.1033G>A on transcript NM_003628.6 (MANE Select); coding-DNA position 1033, G replaced by A.
Protein change: p.Ala345Thr; replaces alanine 345 with threonine.
Molecular consequence: missense variant.
Genome position (GRCh38, 1-based): chr2:158,625,307, G>A. VCF-style: chr2-158625307-G-A. GRCh37 (hg19) VCF-style: chr2-159481819-G-A.
Other names: c.1033G>A, p.Ala345Thr (NM_001005476.4, NM_001304969.3, NM_001304971.2 and 6 more transcripts); c.7G>A, p.Ala3Thr (NM_001304970.3); c.1027G>A, p.Ala343Thr (NM_001377222.1, NM_001377223.1, NM_001377224.1); short protein forms A345T, A3T, A343T.
Identifiers: ClinVar variation 2385296 (VCV002385296.3), dbSNP rs1030891444, ClinGen allele CA58651089.